The following is an entry in ClinVar:

NM_006767.4(LZTR1):c.959C>G (p.Thr320Ser)

Gene: LZTR1 (leucine zipper like post translational regulator 1; plus strand). Cytogenetic location: 22q11.21.
Variant type: single nucleotide variant.
Coding change: c.959C>G on transcript NM_006767.4 (MANE Select); coding-DNA position 959, C replaced by G.
Protein change: p.Thr320Ser; replaces threonine 320 with serine.
Molecular consequence: missense variant.
Genome position (GRCh38, 1-based): chr22:20,991,795, C>G. VCF-style: chr22-20991795-C-G. GRCh37 (hg19) VCF-style: chr22-21346084-C-G.
Other names: short protein forms T320S.
Identifiers: ClinVar variation 3628191 (VCV003628191.2).

ClinVar aggregate classification (germline): Uncertain significance (1 of 4 stars; one submission).

gnomAD v4.1: 1 of 1,551,860 alleles (0.000064%); highest among the groups gnomAD compares: Non-Finnish European, 0.000087%; no homozygotes.

Submission:

Labcorp Genetics (formerly Invitae), Labcorp
Classification: Uncertain significance. Last evaluated: 2024-04-25. Review status: criteria provided, single submitter. Criteria: Invitae Variant Classification Sherloc (09022015). Collection method: clinical testing. Allele origin: germline.
Comment: This sequence change replaces threonine, which is neutral and polar, with serine, which is neutral and polar, at codon 320 of the LZTR1 protein (p.Thr320Ser). This variant is not present in population databases (gnomAD no frequency). This variant has not been reported in the literature in individuals affected with LZTR1-related conditions. Advanced modeling of protein sequence and biophysical properties (such as structural, functional, and spatial information, amino acid conservation, physicochemical variation, residue mobility, and thermodynamic stability) performed at Invitae indicates that this missense variant is not expected to disrupt LZTR1 protein function with a negative predictive value of 80%. In summary, the available evidence is currently insufficient to determine the role of this variant in disease. Therefore, it has been classified as a Variant of Uncertain Significance.